The following is an entry in ClinVar:

ClinVar aggregate classification (germline): Uncertain significance. Review status: criteria provided, multiple submitters, no conflicts (2 of 4 stars). 2 submissions from 2 submitters: Uncertain significance (2). Last evaluated 2024-08-06.

Conditions:
Familial cold autoinflammatory syndrome 2 (FCAS2). Identifiers: Orphanet 247868, MedGen C2673198, MONDO:0012724, OMIM 611762.

Allele frequency attached by ClinVar (database versions not stated): gnomAD exomes below 0.00001.

Submissions (2):

Labcorp Genetics (formerly Invitae), Labcorp
Classification: Uncertain significance for Familial cold autoinflammatory syndrome 2. Last evaluated: 2024-08-06. Review status: criteria provided, single submitter. Criteria: Invitae Variant Classification Sherloc (09022015). Collection method: clinical testing. Allele origin: germline.
Comment: This sequence change replaces glutamic acid, which is acidic and polar, with lysine, which is basic and polar, at codon 888 of the NLRP12 protein (p.Glu888Lys). This variant is not present in population databases (gnomAD no frequency). This variant has not been reported in the literature in individuals affected with NLRP12-related conditions. ClinVar contains an entry for this variant (Variation ID: 2429515). An algorithm developed to predict the effect of missense changes on protein structure and function (PolyPhen-2) suggests that this variant is likely to be disruptive. In summary, the available evidence is currently insufficient to determine the role of this variant in disease. Therefore, it has been classified as a Variant of Uncertain Significance.

GeneDx
Classification: Uncertain significance. Last evaluated: 2024-04-02. Review status: criteria provided, single submitter. Criteria: GeneDx Variant Classification Process June 2021. Collection method: clinical testing. Allele origin: germline. Affected: yes.
Comment: Not observed at significant frequency in large population cohorts (gnomAD); In silico analysis supports that this missense variant does not alter protein structure/function; Has not been previously published as pathogenic or benign to our knowledge

NM_144687.4(NLRP12):c.2662G>A (p.Glu888Lys)

Gene: NLRP12 (NLR family pyrin domain containing 12; minus strand). Cytogenetic location: 19q13.42.
Variant type: single nucleotide variant.
Coding change: c.2662G>A on transcript NM_144687.4 (MANE Select); coding-DNA position 2662, G replaced by A.
Protein change: p.Glu888Lys; replaces glutamic acid 888 with lysine.
Molecular consequence: missense variant.
Genome position (GRCh38, 1-based): chr19:53,801,321, C>T on the plus strand (G>A on the coding strand, the complement: NLRP12 is on the minus strand). VCF-style: chr19-53801321-C-T. GRCh37 (hg19) VCF-style: chr19-54304575-C-T.
Other names: c.2665G>A, p.Glu889Lys (NM_001277126.2); c.2662G>A, p.Glu888Lys (NM_001277129.1); short protein forms E888K, E889K.
Identifiers: ClinVar variation 2429515 (VCV002429515.4), dbSNP rs2514256599, ClinGen allele CA407408446.